The following is an entry in ClinVar:

ClinVar aggregate classification (germline): Uncertain significance (1 of 4 stars; one submission).

Conditions:
ADA-related disorder. Also called: ADA-related condition.

Submission:

PreventionGenetics, part of Exact Sciences
Classification: Uncertain significance for ADA-related condition. Last evaluated: 2022-11-21. Review status: criteria provided, single submitter. Criteria: ACMG Guidelines, 2015. Collection method: clinical testing. Allele origin: germline.
Comment: The ADA c.1059G>A variant is predicted to result in the amino acid substitution p.Met353Ile. To our knowledge, this variant has not been reported in the literature or in a large population database, indicating this variant is rare. At this time, the clinical significance of this variant is uncertain due to the absence of conclusive functional and genetic evidence.

NM_000022.4(ADA):c.1059G>A (p.Met353Ile)

Gene: ADA (adenosine deaminase; minus strand). Cytogenetic location: 20q13.12.
Variant type: single nucleotide variant.
Coding change: c.1059G>A on transcript NM_000022.4 (MANE Select); coding-DNA position 1059, G replaced by A.
Protein change: p.Met353Ile; replaces methionine 353 with isoleucine.
Molecular consequence: missense variant. On other transcripts: non-coding transcript variant (1).
Genome position (GRCh38, 1-based): chr20:44,620,318, C>T on the plus strand (G>A on the coding strand, the complement: ADA is on the minus strand). VCF-style: chr20-44620318-C-T. GRCh37 (hg19) VCF-style: chr20-43248959-C-T.
Other names: c.654G>A, p.Met218Ile (NM_001322050.2); c.987G>A, p.Met329Ile (NM_001322051.2); short protein forms M218I, M329I, M353I.
Identifiers: ClinVar variation 2635249 (VCV002635249.1), dbSNP rs2516158714, ClinGen allele CA409118387.
Genomic context (GRCh38, chr20:44,620,318, plus strand): 5'-CAGGACAGGGCAACTGCCCAGAAGCCCAGACAGGAACCTACCTGCAGAGGCTGAAGGTGG[C>T]ATCCCATAGGCTTTATAGAGCAGGTCGAGAAGCTCCCTCTTTTCATCTTCTGGGAGGAAA-3'
Protein context (NP_000013.2, residues 343-363): LLDLLYKAYG[Met353Ile]PPSASAGQNL